The following is an entry in ClinVar:

NM_014141.6(CNTNAP2):c.338A>G (p.Tyr113Cys)

Gene: CNTNAP2 (contactin associated protein 2; plus strand). Cytogenetic location: 7q35.
Variant type: single nucleotide variant.
Coding change: c.338A>G on transcript NM_014141.6 (MANE Select); coding-DNA position 338, A replaced by G.
Protein change: p.Tyr113Cys; replaces tyrosine 113 with cysteine.
Molecular consequence: missense variant.
Genome position (GRCh38, 1-based): chr7:146,839,840, A>G. VCF-style: chr7-146839840-A-G. GRCh37 (hg19) VCF-style: chr7-146536932-A-G.
Other names: short protein forms Y113C.
Identifiers: ClinVar variation 411995 (VCV000411995.13), dbSNP rs779208613, ClinGen allele CA4545746.

ClinVar aggregate classification (germline): Uncertain significance. Review status: criteria provided, multiple submitters, no conflicts (2 of 4 stars). 4 submissions from 4 submitters: Uncertain significance (4). Last evaluated 2022-07-05.

Conditions:
Cortical dysplasia-focal epilepsy syndrome (PTHSL1). Also called: Pitt-Hopkins-like syndrome 1. Identifiers: Orphanet 163681, Orphanet 221150, MedGen C2750246, MONDO:0012400, OMIM 610042.
Autism, susceptibility to, 15. Also called: Autism susceptibility 15. Identifiers: MedGen C2677504, MONDO:0012801, OMIM 612100.

Allele frequency attached by ClinVar (database versions not stated): gnomAD 0.00002; gnomAD exomes 0.00003 and 0.00006; TOPMed 0.00005; ExAC 0.00008.
gnomAD v4.1: 47 of 1,614,048 alleles (0.0029%); highest among the groups gnomAD compares: East Asian, 0.1%; no homozygotes.

Submissions (4):

Labcorp Genetics (formerly Invitae), Labcorp
Classification: Uncertain significance for Cortical dysplasia-focal epilepsy syndrome. Last evaluated: 2022-07-05. Review status: criteria provided, single submitter. Criteria: Invitae Variant Classification Sherloc (09022015). Collection method: clinical testing. Allele origin: germline.
Comment: This sequence change replaces tyrosine, which is neutral and polar, with cysteine, which is neutral and slightly polar, at codon 113 of the CNTNAP2 protein (p.Tyr113Cys). This variant is present in population databases (rs779208613, gnomAD 0.07%). This variant has not been reported in the literature in individuals affected with CNTNAP2-related conditions. ClinVar contains an entry for this variant (Variation ID: 411995). Algorithms developed to predict the effect of missense changes on protein structure and function are either unavailable or do not agree on the potential impact of this missense change (SIFT: "Deleterious"; PolyPhen-2: "Probably Damaging"; Align-GVGD: "Class C0"). In summary, the available evidence is currently insufficient to determine the role of this variant in disease. Therefore, it has been classified as a Variant of Uncertain Significance.

GeneDx
Classification: Uncertain significance. Last evaluated: 2020-10-15. Review status: criteria provided, single submitter. Criteria: GeneDx Variant Classification Process June 2021. Collection method: clinical testing. Allele origin: germline. Affected: yes.
Comment: In silico analysis supports that this missense variant has a deleterious effect on protein structure/function; Has not been previously published as pathogenic or benign to our knowledge; This variant is associated with the following publications: (PMID: 32381728)

Revvity Omics, Revvity
Classification: Uncertain significance for Cortical dysplasia-focal epilepsy syndrome. Last evaluated: 2020-03-23. Review status: criteria provided, single submitter. Criteria: ACMG Guidelines, 2015. Collection method: clinical testing. Allele origin: germline.

Juno Genomics, Hangzhou Juno Genomics, Inc
Classification: Uncertain significance for Autism, susceptibility to, 15; Cortical dysplasia-focal epilepsy syndrome. Review status: criteria provided, single submitter. Criteria: ACMG Guidelines, 2015. Collection method: clinical testing. Allele origin: germline.
Comment: Absent from controls (or at extremely low frequency if recessive) in Genome Aggregation Database.;Multiple lines of computational evidence support a deleterious effect on the gene or gene product.